The following is an entry in ClinVar:

NM_006361.6(HOXB13):c.814A>G (p.Lys272Glu)

Gene: HOXB13 (homeobox B13; minus strand). Cytogenetic location: 17q21.32.
Variant type: single nucleotide variant.
Coding change: c.814A>G on transcript NM_006361.6 (MANE Select); coding-DNA position 814, A replaced by G.
Protein change: p.Lys272Glu; replaces lysine 272 with glutamic acid.
Molecular consequence: missense variant.
Genome position (GRCh38, 1-based): chr17:48,726,831, T>C on the plus strand (A>G on the coding strand, the complement: HOXB13 is on the minus strand). VCF-style: chr17-48726831-T-C. GRCh37 (hg19) VCF-style: chr17-46804193-T-C.
Other names: short protein forms K272E.
Identifiers: ClinVar variation 3640680 (VCV003640680.2).

ClinVar aggregate classification (germline): Uncertain significance (1 of 4 stars; one submission).

Submission:

Labcorp Genetics (formerly Invitae), Labcorp
Classification: Uncertain significance. Last evaluated: 2024-02-14. Review status: criteria provided, single submitter. Criteria: Invitae Variant Classification Sherloc (09022015). Collection method: clinical testing. Allele origin: germline.
Comment: This sequence change replaces lysine, which is basic and polar, with glutamic acid, which is acidic and polar, at codon 272 of the HOXB13 protein (p.Lys272Glu). This variant is not present in population databases (gnomAD no frequency). This variant has not been reported in the literature in individuals affected with HOXB13-related conditions. Advanced modeling of protein sequence and biophysical properties (such as structural, functional, and spatial information, amino acid conservation, physicochemical variation, residue mobility, and thermodynamic stability) performed at Invitae indicates that this missense variant is expected to disrupt HOXB13 protein function with a positive predictive value of 80%. In summary, the available evidence is currently insufficient to determine the role of this variant in disease. Therefore, it has been classified as a Variant of Uncertain Significance.